The following is an entry in ClinVar:

ClinVar aggregate classification (germline): Uncertain significance (1 of 4 stars; one submission).

Conditions:
Developmental delay with short stature, dysmorphic facial features, and sparse hair. Also called: Developmental delay with short stature, dysmorphic features, and sparse hair. Identifiers: Orphanet 459061, MedGen C4310801, MONDO:0031632.

Submission:

Baylor Genetics
Classification: Uncertain significance for Developmental delay with short stature, dysmorphic facial features, and sparse hair 1. Last evaluated: 2019-09-05. Review status: criteria provided, single submitter. Criteria: ACMG Guidelines, 2015. Collection method: clinical testing. Allele origin: unknown. Affected: yes.
Comment: This variant was determined to be of uncertain significance according to ACMG Guidelines, 2015 [PMID:25741868].

NM_001383.6(DPH1):c.34C>A (p.Gln12Lys)

Gene: DPH1 (diphthamide biosynthesis 1; plus strand). Cytogenetic location: 17p13.3.
Variant type: single nucleotide variant.
Coding change: c.34C>A on transcript NM_001383.6 (MANE Select); coding-DNA position 34, C replaced by A.
Protein change: p.Gln12Lys; replaces glutamine 12 with lysine.
Molecular consequence: missense variant. On other transcripts: 5 prime UTR variant (1), non-coding transcript variant (3).
Genome position (GRCh38, 1-based): chr17:2,030,203, C>A. VCF-style: chr17-2030203-C-A. GRCh37 (hg19) VCF-style: chr17-1933497-C-A.
Other names: c.49C>A, p.Gln17Lys (NM_001346574.1, NM_001346575.1); c.-250C>A (NM_001346576.2); short protein forms Q12K, Q17K.
Identifiers: ClinVar variation 1029332 (VCV001029332.1), dbSNP rs1285486074, ClinGen allele CA397601446.